The following is an entry in ClinVar:

ClinVar aggregate classification (germline): Likely benign. Review status: criteria provided, multiple submitters, no conflicts (2 of 4 stars). 2 submissions from 2 submitters: Likely benign (2). Last evaluated 2025-10-23.

Conditions:
Early-infantile DEE. Also called: Ohtahara syndrome; Early infantile epileptic encephalopathy with suppression bursts; Early infantile epileptic encephalopathy. Identifiers: Orphanet 1934, MedGen C0393706, MONDO:0800491.

Submissions (2):

Labcorp Genetics (formerly Invitae), Labcorp
Classification: Likely benign for Early-infantile DEE. Last evaluated: 2025-10-23. Review status: criteria provided, single submitter. Criteria: Invitae Variant Classification Sherloc (09022015). Collection method: clinical testing. Allele origin: germline.

GeneDx
Classification: Likely benign. Last evaluated: 2016-03-04. Review status: criteria provided, single submitter. Criteria: GeneDx Variant Classification (06012015). Collection method: clinical testing. Allele origin: germline. Affected: yes.
Comment: This variant is considered likely benign or benign based on one or more of the following criteria: it is a conservative change, it occurs at a poorly conserved position in the protein, it is predicted to be benign by multiple in silico algorithms, and/or has population frequency not consistent with disease.

NM_001191061.2(SLC25A22):c.146+20G>T

Gene: SLC25A22 (solute carrier family 25 member 22; minus strand). Cytogenetic location: 11p15.5.
Variant type: single nucleotide variant.
Coding change: c.146+20G>T on transcript NM_001191061.2 (MANE Select); 20 bases into the intron after coding-DNA position 146, G replaced by T.
Molecular consequence: intron variant.
Genome position (GRCh38, 1-based): chr11:794,756, C>A on the plus strand (G>T on the coding strand, the complement: SLC25A22 is on the minus strand). VCF-style: chr11-794756-C-A. GRCh37 (hg19) VCF-style: chr11-794756-C-A.
Other names: c.146+20G>T (NM_001191060.2, NM_024698.6).
Identifiers: ClinVar variation 383459 (VCV000383459.9), dbSNP rs533314464, ClinGen allele CA5789384.